The following is an entry in ClinVar:

ClinVar aggregate classification (germline): Uncertain significance (1 of 4 stars; one submission).

Conditions:
Vitamin B2 deficiency. Identifiers: MedGen C0035528.

Submission:

Labcorp Genetics (formerly Invitae), Labcorp
Classification: Uncertain significance for Vitamin B2 deficiency. Last evaluated: 2024-11-06. Review status: criteria provided, single submitter. Criteria: Invitae Variant Classification Sherloc (09022015). Collection method: clinical testing. Allele origin: germline.
Comment: This sequence change replaces proline, which is neutral and non-polar, with leucine, which is neutral and non-polar, at codon 141 of the SLC52A1 protein (p.Pro141Leu). This variant is not present in population databases (gnomAD no frequency). This variant has not been reported in the literature in individuals affected with SLC52A1-related conditions. Invitae Evidence Modeling of protein sequence and biophysical properties (such as structural, functional, and spatial information, amino acid conservation, physicochemical variation, residue mobility, and thermodynamic stability) indicates that this missense variant is not expected to disrupt SLC52A1 protein function with a negative predictive value of 80%. In summary, the available evidence is currently insufficient to determine the role of this variant in disease. Therefore, it has been classified as a Variant of Uncertain Significance.

NM_017986.4(SLC52A1):c.422C>T (p.Pro141Leu)

Gene: SLC52A1 (solute carrier family 52 member 1; minus strand). Cytogenetic location: 17p13.2.
Variant type: single nucleotide variant.
Coding change: c.422C>T on transcript NM_017986.4 (MANE Select); coding-DNA position 422, C replaced by T.
Protein change: p.Pro141Leu; replaces proline 141 with leucine.
Molecular consequence: missense variant.
Genome position (GRCh38, 1-based): chr17:5,034,067, G>A on the plus strand (C>T on the coding strand, the complement: SLC52A1 is on the minus strand). VCF-style: chr17-5034067-G-A. GRCh37 (hg19) VCF-style: chr17-4937362-G-A.
Other names: c.422C>T, p.Pro141Leu (NM_001104577.2); short protein forms P141L.
Identifiers: ClinVar variation 3605857 (VCV003605857.2).